The following is an entry in ClinVar:

NM_004655.4(AXIN2):c.1358A>G (p.Gln453Arg)

Gene: AXIN2 (axin 2; minus strand). Cytogenetic location: 17q24.1.
Variant type: single nucleotide variant.
Coding change: c.1358A>G on transcript NM_004655.4 (MANE Select); coding-DNA position 1358, A replaced by G.
Protein change: p.Gln453Arg; replaces glutamine 453 with arginine.
Molecular consequence: missense variant.
Genome position (GRCh38, 1-based): chr17:65,537,678, T>C on the plus strand (A>G on the coding strand, the complement: AXIN2 is on the minus strand). VCF-style: chr17-65537678-T-C. GRCh37 (hg19) VCF-style: chr17-63533796-T-C.
Other names: c.1358A>G, p.Gln453Arg (NM_001363813.1); short protein forms Q453R.
Identifiers: ClinVar variation 3224364 (VCV003224364.3), dbSNP rs2043957820, ClinGen allele CA400677655.
Genomic context (GRCh38, chr17:65,537,678, plus strand): 5'-TGGTGGTGGTGGTGGTCCGGGGAGCGGGAGCGGGGGCTATAGCGGCCTACGCCTGGAGAC[T>C]GGCAGCCAGGGGTCTTGAGGACCCTGGACAGGTGATCGTCCAGTATCGTCTGCGGGTCTT-3'
Protein context (NP_004646.3, residues 443-463): LSRVLKTPGC[Gln453Arg]SPGVGRYSPR

ClinVar aggregate classification (germline): Uncertain significance. Review status: criteria provided, multiple submitters, no conflicts (2 of 4 stars). 2 submissions from 2 submitters: Uncertain significance (2). Last evaluated 2024-03-02.

Conditions:
Oligodontia-cancer predisposition syndrome. Also called: TOOTH AGENESIS-COLORECTAL CANCER SYNDROME. Identifiers: Orphanet 300576, MedGen C1837750, MONDO:0012075, OMIM 608615. Disease mechanism: loss of function.
Hereditary cancer-predisposing syndrome. Also called: Tumor predisposition; Hereditary neoplastic syndrome; Hereditary Cancer Syndrome; Neoplastic Syndromes, Hereditary. Identifiers: Orphanet 140162, MedGen C0027672, MeSH D009386, MONDO:0015356.

Submissions (2):

Labcorp Genetics (formerly Invitae), Labcorp
Classification: Uncertain significance for Oligodontia-cancer predisposition syndrome. Last evaluated: 2024-03-02. Review status: criteria provided, single submitter. Criteria: Invitae Variant Classification Sherloc (09022015). Collection method: clinical testing. Allele origin: germline.
Comment: This sequence change replaces glutamine, which is neutral and polar, with arginine, which is basic and polar, at codon 453 of the AXIN2 protein (p.Gln453Arg). This variant is not present in population databases (gnomAD no frequency). This variant has not been reported in the literature in individuals affected with AXIN2-related conditions. Advanced modeling of protein sequence and biophysical properties (such as structural, functional, and spatial information, amino acid conservation, physicochemical variation, residue mobility, and thermodynamic stability) performed at Invitae indicates that this missense variant is not expected to disrupt AXIN2 protein function with a negative predictive value of 80%. In summary, the available evidence is currently insufficient to determine the role of this variant in disease. Therefore, it has been classified as a Variant of Uncertain Significance.

Ambry Genetics
Classification: Uncertain significance for Hereditary cancer-predisposing syndrome. Last evaluated: 2023-12-22. Review status: criteria provided, single submitter. Criteria: Ambry Variant Classification Scheme 2023. Collection method: clinical testing. Allele origin: germline.
Comment: The p.Q453R variant (also known as c.1358A>G), located in coding exon 5 of the AXIN2 gene, results from an A to G substitution at nucleotide position 1358. The glutamine at codon 453 is replaced by arginine, an amino acid with highly similar properties. This amino acid position is conserved. In addition, the in silico prediction for this alteration is inconclusive. Since supporting evidence is limited at this time, the clinical significance of this alteration remains unclear.